The following is an entry in ClinVar:

ClinVar aggregate classification (germline): Pathogenic. Review status: criteria provided, multiple submitters, no conflicts (2 of 4 stars). 2 submissions from 2 submitters: Pathogenic (2). Last evaluated 2025-03-18.

Conditions:
Cerebral cavernous malformation (CCM). Also called: CAVERNOUS ANGIOMA, FAMILIAL; CAVERNOUS ANGIOMATOUS MALFORMATIONS; CEREBRAL CAPILLARY MALFORMATIONS; Cerebral cavernous hemangioma (type); Cavernous Hemangioma of Brain; Cerebral cavernous malformations. Identifiers: Orphanet 221061, MedGen C2919945, MONDO:0000820, OMIM 116860, HP:0033522.

Submissions (2):

Labcorp Genetics (formerly Invitae), Labcorp
Classification: Pathogenic for Cerebral cavernous malformation. Last evaluated: 2025-03-18. Review status: criteria provided, single submitter. Criteria: Invitae Variant Classification Sherloc (09022015). Collection method: clinical testing. Allele origin: germline.
Comment: This sequence change creates a premature translational stop signal (p.Ser430Valfs*6) in the KRIT1 gene. It is expected to result in an absent or disrupted protein product. Loss-of-function variants in KRIT1 are known to be pathogenic (PMID: 10508515, 11222804, 12404106, 24689081). This variant is not present in population databases (gnomAD no frequency). This variant has not been reported in the literature in individuals affected with KRIT1-related conditions. ClinVar contains an entry for this variant (Variation ID: 1331022). For these reasons, this variant has been classified as Pathogenic.

ARUP Laboratories, Molecular Genetics and Genomics, ARUP Laboratories
Classification: Pathogenic. Last evaluated: 2021-04-23. Review status: criteria provided, single submitter. Criteria: ARUP Molecular Germline Variant Investigation Process 2021. Collection method: clinical testing. Allele origin: germline.
Comment: The KRIT1 c.1287dupG; p.Ser430ValfsTer6 variant, to our knowledge, is not reported in the medical literature or gene specific databases. This variant is also absent from general population databases (Exome Variant Server, Genome Aggregation Database), indicating it is not a common polymorphism. This variant causes a frameshift by duplicating a single nucleotide, so it is predicted to result in a truncated protein or mRNA subject to nonsense-mediated decay. Additionally, similar loss of function variants have been reported in association with cerebral cavernous malformations (Choquet 2014, Mondejar 2014, Sahoo 1999). Based on the available information, this variant is considered to be pathogenic. References: Choquet H et al. Association of cardiovascular risk factors with disease severity in cerebral cavernous malformation type 1 subjects with the common Hispanic mutation. Cerebrovasc Dis 2014 37:57-63. PMID: 24401931. Mondejar R et al. Mutation prevalence of cerebral cavernous malformation genes in Spanish patients. PLoS One. 2014 Jan 23;9(1):e86286. PMID: 24466005. Sahoo T et al. Mutations in the gene encoding KRIT1, a Krev-1/rap1a binding protein, cause cerebral cavernous malformations (CCM1). Hum Mol Genet 1999 8(12):2325-2333. PMID: 10545614.

Literature cited by the submitters: PubMed 10508515 (cited by Labcorp Genetics (formerly Invitae), Labcorp); PubMed 11222804 (cited by Labcorp Genetics (formerly Invitae), Labcorp); PubMed 12404106 (cited by Labcorp Genetics (formerly Invitae), Labcorp); PubMed 24689081 (cited by Labcorp Genetics (formerly Invitae), Labcorp).

NM_194454.3(KRIT1):c.1287dup (p.Ser430fs)

Gene: KRIT1 (KRIT1 ankyrin repeat containing; minus strand). Cytogenetic location: 7q21.2.
Variant type: Duplication.
Coding change: c.1287dup on transcript NM_194454.3 (MANE Select); coding-DNA position 1287, one base duplicated (G; older notation c.1287dupG).
Protein change: p.Ser430fs; shifts the reading frame from serine 430.
Molecular consequence: frameshift variant.
Genome position (GRCh38, 1-based): chr7:92,222,946, C duplicated on the plus strand (G on the coding strand, the reverse complement: KRIT1 is on the minus strand); the first of 3 consecutive C bases (chr7:92,222,946-92,222,948); duplicating any one gives the same sequence. VCF-style (leftmost placement, unchanged base first): chr7-92222945-A-AC. GRCh37 (hg19) VCF-style: chr7-91852259-A-AC.
Other names: c.1143dup, p.Ser382fs (NM_001013406.2, NM_001350669.1, NM_001350670.1); c.573dup, p.Ser192fs (NM_001350671.1); c.1287dup, p.Ser430fs (NM_001350672.1, NM_001350673.1, NM_001350674.1 and 26 more transcripts); short protein forms S192fs, S382fs, S430fs.
Identifiers: ClinVar variation 1331022 (VCV001331022.10), dbSNP rs2131454847, ClinGen allele CA2573052927.
Genomic context (GRCh38, chr7:92,222,945, plus strand): 5'-CTTCCATTATCTGCTGCACTGTGGTATTATTTCCATGCTTCAATTCAACAGAACGATATG[A>AC]CCCATCCATTCTGTATATTCGAACTTTTTCATACTACAAGAAACGATAACTTACGTAACG-3'